The following is an entry in ClinVar:

NM_002609.4(PDGFRB):c.2549A>T (p.Asp850Val)

Gene: PDGFRB (platelet derived growth factor receptor beta; minus strand). Cytogenetic location: 5q32.
Variant type: single nucleotide variant.
Coding change: c.2549A>T on transcript NM_002609.4 (MANE Select); coding-DNA position 2549, A replaced by T.
Protein change: p.Asp850Val; replaces aspartic acid 850 with valine.
Molecular consequence: missense variant.
Genome position (GRCh38, 1-based): chr5:150,120,925, T>A on the plus strand (A>T on the coding strand, the complement: PDGFRB is on the minus strand). VCF-style: chr5-150120925-T-A. GRCh37 (hg19) VCF-style: chr5-149500488-T-A.
Other names: c.2357A>T, p.Asp786Val (NM_001355016.2); c.2066A>T, p.Asp689Val (NM_001355017.2); short protein forms D850V, D689V, D786V.
Identifiers: ClinVar variation 375681 (VCV000375681.3), dbSNP rs1060499540, ClinGen allele CA16609704.

ClinVar aggregate classification (germline): Pathogenic (1 of 4 stars; one submission).

Conditions:
Infantile myofibromatosis (IMF). Also called: Congenital generalized fibromatosis. Identifiers: Orphanet 2591, MedGen C0432284, MONDO:0016824.

Submission:

Demoulin lab, University of Louvain
Classification: Pathogenic for Infantile myofibromatosis. Last evaluated: 2016-12-01. Review status: criteria provided, single submitter. Criteria: Submitter's publication. Collection method: research, in vitro. Allele origin: somatic, not applicable. Inheritance: Somatic mutation. Affected: yes. Observed: 2 variant alleles, 2 heterozygotes.
Comment: This somatic mutation was found in two patients with myofibromatosis. It strongly activates PDGFRB signaling in cell culture (gain of function). It is homologous to pathogenic mutations in receptors of the same family, such as PDGFRA D842V and KIT D816V (in gastrointestinal stromal tumors). We sequenced PDGFRB in myofibromatosis cases using the Ion Torrent technology. All variants were confirmed by an alternative method (allele specific PCR or Sanger sequencing). Mutants were functionally characterized in experiments based on cell transfection.

Literature cited by the submitters: PubMed 28334876.